The following is an entry in ClinVar:

NM_000233.4(LHCGR):c.79G>C (p.Glu27Gln)

Genes: LHCGR (luteinizing hormone/choriogonadotropin receptor; minus strand), STON1-GTF2A1L (STON1-GTF2A1L readthrough; plus strand). Cytogenetic location: 2p16.3.
Variant type: single nucleotide variant.
Coding change: c.79G>C on transcript NM_000233.4 (MANE Select); coding-DNA position 79, G replaced by C.
Protein change: p.Glu27Gln; replaces glutamic acid 27 with glutamine.
Molecular consequence: missense variant. On other transcripts: intron variant (1).
Genome position (GRCh38, 1-based): chr2:48,755,593, C>G on the plus strand (G>C on the coding strand, the complement: LHCGR is on the minus strand). VCF-style: chr2-48755593-C-G. GRCh37 (hg19) VCF-style: chr2-48982732-C-G.
Other names: c.3442-20687C>G (NM_001198593.2); short protein forms E27Q.
Identifiers: ClinVar variation 3346810 (VCV003346810.1).

ClinVar aggregate classification (germline): Uncertain significance (0 of 4 stars; one submission).

Conditions:
LHCGR-related disorder. Also called: LHCGR-related condition.

gnomAD v4.1: 2 of 1,537,820 alleles (0.00013%); highest among the groups gnomAD compares: Admixed American, 0.002%; no homozygotes.

Submission:

PreventionGenetics, part of Exact Sciences
Classification: Uncertain significance for LHCGR-related condition. Last evaluated: 2024-09-26. Review status: no assertion criteria provided. Collection method: clinical testing. Allele origin: germline.
Comment: The LHCGR c.79G>C variant is predicted to result in the amino acid substitution p.Glu27Gln. To our knowledge, this variant has not been reported in the literature. This variant is reported in 0.0041% of alleles in individuals of Latino descent in gnomAD. At this time, the clinical significance of this variant is uncertain due to the absence of conclusive functional and genetic evidence.